The following is an entry in ClinVar:

NM_003482.4(KMT2D):c.9809T>C (p.Leu3270Ser)

Gene: KMT2D (lysine methyltransferase 2D; minus strand). Cytogenetic location: 12q13.12.
Variant type: single nucleotide variant.
Coding change: c.9809T>C on transcript NM_003482.4 (MANE Select); coding-DNA position 9809, T replaced by C.
Protein change: p.Leu3270Ser; replaces leucine 3270 with serine.
Molecular consequence: missense variant.
Genome position (GRCh38, 1-based): chr12:49,037,547, A>G on the plus strand (T>C on the coding strand, the complement: KMT2D is on the minus strand). VCF-style: chr12-49037547-A-G. GRCh37 (hg19) VCF-style: chr12-49431330-A-G.
Other names: short protein forms L3270S.
Identifiers: ClinVar variation 4801219 (VCV004801219.1).

ClinVar aggregate classification (germline): Uncertain significance (1 of 4 stars; one submission).

Conditions:
Kabuki syndrome. Also called: NIIKAWA-KUROKI SYNDROME; Kabuki make-up syndrome. Identifiers: Orphanet 2322, MedGen C0796004, MONDO:0016512.

Submission:

Labcorp Genetics (formerly Invitae), Labcorp
Classification: Uncertain significance for Kabuki syndrome. Last evaluated: 2025-08-25. Review status: criteria provided, single submitter. Criteria: Invitae Variant Classification Sherloc (09022015). Collection method: clinical testing. Allele origin: germline.
Comment: This sequence change replaces leucine, which is neutral and non-polar, with serine, which is neutral and polar, at codon 3270 of the KMT2D protein (p.Leu3270Ser). This variant is not present in population databases (gnomAD no frequency). This variant has not been reported in the literature in individuals affected with KMT2D-related conditions. Invitae Evidence Modeling of protein sequence and biophysical properties (such as structural, functional, and spatial information, amino acid conservation, physicochemical variation, residue mobility, and thermodynamic stability) indicates that this missense variant is not expected to disrupt KMT2D protein function with a negative predictive value of 95%. In summary, the available evidence is currently insufficient to determine the role of this variant in disease. Therefore, it has been classified as a Variant of Uncertain Significance.